The following is an entry in ClinVar:

ClinVar aggregate classification (germline): Pathogenic/Likely pathogenic. Review status: criteria provided, multiple submitters, no conflicts (2 of 4 stars). 2 submissions from 2 submitters: Pathogenic (1); Likely pathogenic (1). Last evaluated 2024-03-11.

Conditions:
Axenfeld-Rieger syndrome type 3 (RIEG3). Also called: AXENFELD-RIEGER ANOMALY WITH CARDIAC DEFECTS AND/OR SENSORINEURAL HEARING LOSS. Identifiers: Orphanet 782, MedGen C2678503, MONDO:0011233, OMIM 602482.

Submissions (2):

Labcorp Genetics (formerly Invitae), Labcorp
Classification: Pathogenic for Axenfeld-Rieger syndrome type 3. Last evaluated: 2024-03-11. Review status: criteria provided, single submitter. Criteria: Invitae Variant Classification Sherloc (09022015). Collection method: clinical testing. Allele origin: germline.
Comment: This sequence change replaces arginine, which is basic and polar, with leucine, which is neutral and non-polar, at codon 127 of the FOXC1 protein (p.Arg127Leu). This variant is not present in population databases (gnomAD no frequency). This missense change has been observed in individuals with clinical features consistent with Axenfeld-Rieger syndrome (PMID: 24914578; Invitae). It has also been observed to segregate with disease in related individuals. ClinVar contains an entry for this variant (Variation ID: 426978). Advanced modeling of protein sequence and biophysical properties (such as structural, functional, and spatial information, amino acid conservation, physicochemical variation, residue mobility, and thermodynamic stability) performed at Invitae indicates that this missense variant is expected to disrupt FOXC1 protein function with a positive predictive value of 95%. Experimental studies have shown that this missense change does not substantially affect FOXC1 function (PMID: 32631953). This variant disrupts the p.Arg127 amino acid residue in FOXC1. Other variant(s) that disrupt this residue have been determined to be pathogenic (PMID: 11740218). This suggests that this residue is clinically significant, and that variants that disrupt this residue are likely to be disease-causing. For these reasons, this variant has been classified as Pathogenic.

GeneDx
Classification: Likely pathogenic. Last evaluated: 2017-01-25. Review status: criteria provided, single submitter. Criteria: GeneDx Variant Classification (06012015). Collection method: clinical testing. Allele origin: germline. Affected: yes.
Comment: The R127L variant has been published in a parent and child diagnosed with Axenfeld-Rieger syndrome (Du et al., 2016). The R127L variant was not observed in approximately 6,500 individuals of European and African American ancestry in the NHLBI Exome Sequencing Project, indicating it is not a common benign variant in these populations. The R127L variant is a non-conservative amino acid substitution, which is likely to impact secondary protein structure as these residues differ in polarity, charge, size and/or other properties. This substitution occurs at a position that is conserved across species in the forkhead domain of the protein. In silico analysis predicts this variant is probably damaging to the protein structure/function. However, in the absence of RNA/functional studies, the actual effect of this sequence change in this individual is unknown. Based on the currently available information this variant is likely pathogenic

Literature cited by the submitters: PubMed 24914578 (cited by Labcorp Genetics (formerly Invitae), Labcorp); PubMed 32631953 (cited by Labcorp Genetics (formerly Invitae), Labcorp); PubMed 11740218 (cited by Labcorp Genetics (formerly Invitae), Labcorp).

NM_001453.3(FOXC1):c.380G>T (p.Arg127Leu)

Gene: FOXC1 (forkhead box C1; plus strand). Cytogenetic location: 6p25.3.
Variant type: single nucleotide variant.
Coding change: c.380G>T on transcript NM_001453.3 (MANE Select); coding-DNA position 380, G replaced by T.
Protein change: p.Arg127Leu; replaces arginine 127 with leucine.
Molecular consequence: missense variant.
Genome position (GRCh38, 1-based): chr6:1,610,825, G>T. VCF-style: chr6-1610825-G-T. GRCh37 (hg19) VCF-style: chr6-1611060-G-T.
Other names: short protein forms R127L.
Identifiers: ClinVar variation 426978 (VCV000426978.9), dbSNP rs1085307884, ClinGen allele CA362558691.